The following is an entry in ClinVar:

ClinVar aggregate classification (germline): Pathogenic, low penetrance (1 of 4 stars; one submission).

Conditions:
Atypical hemolytic-uremic syndrome. Identifiers: Orphanet 2134, MedGen C2931788, MONDO:0016244.

Submission:

Genomenon, Inc
Classification: Pathogenic, low penetrance for Atypical hemolytic-uremic syndrome. Last evaluated: 2025-10-02. Review status: criteria provided, single submitter. Criteria: Genomenon Sequence Variant Interpretation Standards - Updated. Collection method: curation. Allele origin: germline. Affected: yes.
Comment: CFH p.Gln1137Ter (c.3409C>T) is a nonsense variant that introduces a premature stop codon at amino acid position 1137, creating a truncated protein that is predicted to undergo nonsense-mediated mRNA decay. This variant has been observed in at least one proband affected with atypical hemolytic-uremic syndrome (PMID:23307876). It is absent or not present at a significant frequency in gnomAD. In conclusion, we classify CFH p.Gln1137Ter (c.3409C>T) as a pathogenic, low penetrance variant.

Literature cited by the submitters: PubMed 23307876.

NM_000186.4(CFH):c.3409C>T (p.Gln1137Ter)

Gene: CFH (complement factor H; plus strand). Cytogenetic location: 1q31.3.
Variant type: single nucleotide variant.
Coding change: c.3409C>T on transcript NM_000186.4 (MANE Select); coding-DNA position 3409, C replaced by T.
Protein change: p.Gln1137Ter; replaces glutamine 1137 with a stop codon.
Molecular consequence: nonsense.
Genome position (GRCh38, 1-based): chr1:196,745,915, C>T. VCF-style: chr1-196745915-C-T. GRCh37 (hg19) VCF-style: chr1-196715045-C-T.
Other names: short protein forms Q1137*.
Identifiers: ClinVar variation 4291566 (VCV004291566.1).